The following is an entry in ClinVar:

ClinVar aggregate classification (germline): Pathogenic (1 of 4 stars; one submission).

Submission:

Labcorp Genetics (formerly Invitae), Labcorp
Classification: Pathogenic. Last evaluated: 2023-09-10. Review status: criteria provided, single submitter. Criteria: Invitae Variant Classification Sherloc (09022015). Collection method: clinical testing. Allele origin: germline.
Comment: This sequence change creates a premature translational stop signal (p.Ser306Profs*36) in the HPS1 gene. It is expected to result in an absent or disrupted protein product. Loss-of-function variants in HPS1 are known to be pathogenic (PMID: 12442288, 16185271). This variant is not present in population databases (gnomAD no frequency). For these reasons, this variant has been classified as Pathogenic. This variant has not been reported in the literature in individuals affected with HPS1-related conditions.

Literature cited by the submitters: PubMed 12442288; PubMed 16185271.

NM_000195.5(HPS1):c.884_915dup (p.Ser306fs)

Gene: HPS1 (HPS1 biogenesis of lysosomal organelles complex 3 subunit 1; minus strand). Cytogenetic location: 10q24.2.
Variant type: Duplication.
Coding change: c.884_915dup on transcript NM_000195.5 (MANE Select); coding-DNA positions 884 to 915, 32 bases duplicated.
Protein change: p.Ser306fs; shifts the reading frame from serine 306.
Molecular consequence: frameshift variant. On other transcripts: 5 prime UTR variant (3), nonsense (2), inframe insertion (2).
Genome position (GRCh38, 1-based): chr10:98,429,595-98,429,626, 32 bases duplicated; duplicating any 32 consecutive bases within chr10:98,429,595-98,429,628 gives the same sequence; the c. name uses the placement nearest the transcript's 3' end. GRCh37 (hg19): chr10:100,189,354-100,189,385.
Other names: c.-89_-58dup (NM_001311345.2, NM_001322487.2, NM_001322489.2); c.884_915dup, p.Ser306fs (NM_001322476.2, NM_001322477.2, NM_182639.4); c.785_816dup, p.Ser273fs (NM_001322478.2, NM_001322479.2, NM_001322491.2); c.623_654dup, p.Ser219fs (NM_001322480.2, NM_001322481.2); c.524_555dup, p.Ser186fs (NM_001322482.2); c.515_546dup, p.Ser183fs (NM_001322483.2, NM_001322484.2); c.416_447dup, p.Ser150fs (NM_001322485.2); c.766_797dup, p.Pro267_Leu268insProTerPro (NM_001322490.2); and 1 more; short protein forms S219fs, S273fs, S306fs, S183fs, S150fs, S186fs.
Identifiers: ClinVar variation 2759735 (VCV002759735.3), dbSNP rs2538897333, ClinGen allele CA2697558704.
Genomic context (GRCh38, chr10:98,429,594, plus strand): 5'-GCTAGCTATTGTTTCCTCCTGCTTTCCTCCGGTCCTCACCTGAGCTCTGATCGCCAGGGG[A>AAGGAGCTGGTGTGAAGTACTCCTCAGGGAGGG]AGGAGCTGGTGTGAAGTACTCCTCAGGGAGGGAGAAGCTGTCTGTCTCCTGGAATGGAGA-3'